The following is an entry in ClinVar:

NM_000256.3(MYBPC3):c.2285T>A (p.Val762Asp)

Gene: MYBPC3 (myosin binding protein C3; minus strand). Cytogenetic location: 11p11.2.
Variant type: single nucleotide variant.
Coding change: c.2285T>A on transcript NM_000256.3 (MANE Select); coding-DNA position 2285, T replaced by A.
Protein change: p.Val762Asp; replaces valine 762 with aspartic acid.
Molecular consequence: missense variant.
Genome position (GRCh38, 1-based): chr11:47,338,543, A>T on the plus strand (T>A on the coding strand, the complement: MYBPC3 is on the minus strand). VCF-style: chr11-47338543-A-T. GRCh37 (hg19) VCF-style: chr11-47360094-A-T.
Other names: short protein forms V762D.
Identifiers: ClinVar variation 836895 (VCV000836895.14), dbSNP rs1595844241, ClinGen allele CA380320183.

ClinVar aggregate classification (germline): Conflicting classifications of pathogenicity. Review status: criteria provided, conflicting classifications (1 of 4 stars). 3 submissions from 3 submitters: Pathogenic (1); Likely pathogenic (1); Uncertain significance (1). Last evaluated 2025-03-04.

Conditions:
Cardiovascular phenotype. Identifiers: MedGen CN230736.
Hypertrophic cardiomyopathy 4. Also called: Familial hypertrophic cardiomyopathy 4. Identifiers: MedGen C1861862, MONDO:0007268, OMIM 115197.
Hypertrophic cardiomyopathy. Also called: HYPERTROPHIC MYOCARDIOPATHY. Identifiers: Orphanet 217569, MedGen C0007194, MeSH D002312, MONDO:0005045, HP:0001639.

Allele frequency attached by ClinVar (database versions not stated): gnomAD exomes 0.00004.
gnomAD v4.1: 21 of 1,613,970 alleles (0.0013%); highest among the groups gnomAD compares: East Asian, 0.047%; no homozygotes.

Submissions (3):

3billion
Classification: Pathogenic for Hypertrophic cardiomyopathy 4. Last evaluated: 2025-03-04. Review status: criteria provided, single submitter. Criteria: ACMG Guidelines, 2015. Collection method: clinical testing. Allele origin: germline. Affected: yes.
Comment: The variant is observed at an extremely low frequency in the gnomAD v4.1.0 dataset (total allele frequency: 0.001%). Predicted Consequence/Location: Missense variant Functional studies provide moderate evidence of the variant having a damaging effect on the gene or gene product (PMID: 25281569). The same nucleotide change resulting in the same amino acid change has been previously reported as pathogenic/likely pathogenic with strong evidence (ClinVar ID: VCV000836895 /3billion dataset). The variant has been observed in multiple (>3) similarly affected unrelated individuals (PMID: 25281569). The variant has been reported to co-segregate with the disease in at least 3 similarly affected relatives/individuals in the same family or similarly affected unrelated families (PMID: 25281569). Therefore, this variant is classified as Pathogenic according to the recommendation of ACMG/AMP guideline.

Ambry Genetics
Classification: Uncertain significance for Cardiovascular phenotype. Last evaluated: 2024-03-29. Review status: criteria provided, single submitter. Criteria: Ambry Variant Classification Scheme 2023. Collection method: clinical testing. Allele origin: germline.
Comment: The p.V762D variant (also known as c.2285T>A), located in coding exon 23 of the MYBPC3 gene, results from a T to A substitution at nucleotide position 2285. The valine at codon 762 is replaced by aspartic acid, an amino acid with highly dissimilar properties. This alteration has been reported in association with hypertrophic cardiomyopathy (HCM), and while seen in families, it has been reported in both affected and unaffected individuals (Fujita T et al. JACC Heart Fail, 2013 Dec;1:459-66; Hodatsu A et al. Am J Physiol Heart Circ Physiol, 2014 Dec;307:H1594-604). This alteration may have an impact on protein function (Hodatsu A et al. Am J Physiol Heart Circ Physiol, 2014 Dec;307:H1594-604). This amino acid position is not well conserved in available vertebrate species. In addition, this alteration is predicted to be deleterious by in silico analysis. Based on the available evidence, the clinical significance of this alteration remains unclear.

Labcorp Genetics (formerly Invitae), Labcorp
Classification: Likely pathogenic for Hypertrophic cardiomyopathy. Last evaluated: 2024-02-14. Review status: criteria provided, single submitter. Criteria: Invitae Variant Classification Sherloc (09022015). Collection method: clinical testing. Allele origin: germline.
Comment: This sequence change replaces valine, which is neutral and non-polar, with aspartic acid, which is acidic and polar, at codon 762 of the MYBPC3 protein (p.Val762Asp). This variant is not present in population databases (gnomAD no frequency). This missense change has been observed in individuals with hypertrophic cardiomyopathy (PMID: 25281569). It is commonly reported in individuals of Japanese ancestry (PMID: 25281569). ClinVar contains an entry for this variant (Variation ID: 836895). An algorithm developed to predict the effect of missense changes on protein structure and function (PolyPhen-2) suggests that this variant is likely to be disruptive. Experimental studies have shown that this missense change does not substantially affect MYBPC3 function (PMID: 25281569). In summary, the currently available evidence indicates that the variant is pathogenic, but additional data are needed to prove that conclusively. Therefore, this variant has been classified as Likely Pathogenic.

Literature cited by the submitters: PubMed 25281569 (cited by 3 submitters); PubMed 24621997 (cited by Ambry Genetics); PubMed 29398688 (cited by Ambry Genetics); PubMed 29907873 (cited by Ambry Genetics).